The following is an entry in ClinVar:

ClinVar aggregate classification (germline): Pathogenic/Likely pathogenic. Review status: criteria provided, multiple submitters, no conflicts (2 of 4 stars). 3 submissions from 3 submitters: Pathogenic (2); Likely pathogenic (1). Last evaluated 2024-10-29.

Conditions:
ABCA4-related disorder. Also called: ABCA4-related disorders; ABCA4-related condition. Identifiers: MedGen CN239167.
Severe early-childhood-onset retinal dystrophy (STGD1). Also called: STGD; Stargardt macular dystrophy; Juvenile onset macular degeneration; Stargardt disease 1; MACULAR DYSTROPHY WITH FLECKS, TYPE 1. Identifiers: Orphanet 364055, Orphanet 827, MedGen C1855465, MeSH D000080362, MONDO:0009549, OMIM 248200.

Allele frequency attached by ClinVar (database versions not stated): gnomAD 0.00002; TOPMed 0.00001.
gnomAD v4.1: 3 of 1,614,082 alleles (0.00019%); highest among the groups gnomAD compares: African/African-American, 0.004%; no homozygotes.

Submissions (3):

Labcorp Genetics (formerly Invitae), Labcorp
Classification: Pathogenic. Last evaluated: 2024-10-29. Review status: criteria provided, single submitter. Criteria: Invitae Variant Classification Sherloc (09022015). Collection method: clinical testing. Allele origin: germline.
Comment: This sequence change replaces glycine, which is neutral and non-polar, with serine, which is neutral and polar, at codon 978 of the ABCA4 protein (p.Gly978Ser). This variant is present in population databases (no rsID available, gnomAD 0.01%). This missense change has been observed in individual(s) with Stargardt Disease (PMID: 28559085). In at least one individual the data is consistent with being in trans (on the opposite chromosome) from a pathogenic variant. It has also been observed to segregate with disease in related individuals. ClinVar contains an entry for this variant (Variation ID: 1048167). Invitae Evidence Modeling of protein sequence and biophysical properties (such as structural, functional, and spatial information, amino acid conservation, physicochemical variation, residue mobility, and thermodynamic stability) indicates that this missense variant is expected to disrupt ABCA4 protein function with a positive predictive value of 95%. For these reasons, this variant has been classified as Pathogenic.

Blueprint Genetics
Classification: Pathogenic for ABCA4-related disorders. Last evaluated: 2021-07-02. Review status: criteria provided, single submitter. Criteria: ACMG Guidelines, 2015. Collection method: clinical testing. Allele origin: germline. Affected: yes. Observed: 3 variant alleles.

Institute of Medical Molecular Genetics, University of Zurich
Classification: Likely pathogenic for Severe early-childhood-onset retinal dystrophy. Last evaluated: 2021-01-30. Review status: criteria provided, single submitter. Criteria: ACMG Guidelines, 2015. Collection method: clinical testing. Allele origin: unknown. Affected: yes.

Literature cited by the submitters: PubMed 28559085 (cited by Labcorp Genetics (formerly Invitae), Labcorp).

NM_000350.3(ABCA4):c.2932G>A (p.Gly978Ser)

Gene: ABCA4 (ATP binding cassette subfamily A member 4; minus strand). Cytogenetic location: 1p22.1.
Variant type: single nucleotide variant.
Coding change: c.2932G>A on transcript NM_000350.3 (MANE Select); coding-DNA position 2932, G replaced by A.
Protein change: p.Gly978Ser; replaces glycine 978 with serine.
Molecular consequence: missense variant.
Genome position (GRCh38, 1-based): chr1:94,044,731, C>T on the plus strand (G>A on the coding strand, the complement: ABCA4 is on the minus strand). VCF-style: chr1-94044731-C-T. GRCh37 (hg19) VCF-style: chr1-94510287-C-T.
Other names: c.2710G>A, p.Gly904Ser (NM_001425324.1); short protein forms G978S, G904S.
Identifiers: ClinVar variation 1048167 (VCV001048167.10), dbSNP rs61749452, ClinGen allele CA26839909.
Genomic context (GRCh38, chr1:94,044,731, plus strand): 5'-GGCTGGTTTCAATGTCCCTTCCCCCAACGAGCACAGTCCCAGAGGTTGGTGGCAACAGAC[C>T]CGTCAGGATGGACCTGCAGAACACAGGCGTCAGTGGCAGAAGAGATGGCCTTTAGCAACA-3'
Protein context (NP_000341.2, residues 968-988): GKTTTLSILT[Gly978Ser]LLPPTSGTVL